The following is an entry in ClinVar:

NM_032380.5(GFM2):c.596A>G (p.Lys199Arg)

Gene: GFM2 (GTP dependent ribosome recycling factor mitochondrial 2; minus strand). Cytogenetic location: 5q13.3.
Variant type: single nucleotide variant.
Coding change: c.596A>G on transcript NM_032380.5 (MANE Select); coding-DNA position 596, A replaced by G.
Protein change: p.Lys199Arg; replaces lysine 199 with arginine.
Molecular consequence: missense variant. On other transcripts: non-coding transcript variant (1).
Genome position (GRCh38, 1-based): chr5:74,747,704, T>C on the plus strand (A>G on the coding strand, the complement: GFM2 is on the minus strand). VCF-style: chr5-74747704-T-C. GRCh37 (hg19) VCF-style: chr5-74043529-T-C.
Other names: c.692A>G, p.Lys231Arg (NM_001281302.2); c.596A>G, p.Lys199Arg (NM_170681.3, NM_170691.3); short protein forms K199R, K231R.
Identifiers: ClinVar variation 2070879 (VCV002070879.4), dbSNP rs766543951, ClinGen allele CA120923518.

ClinVar aggregate classification (germline): Uncertain significance (1 of 4 stars; one submission).

Allele frequency attached by ClinVar (database versions not stated): gnomAD 0.00001; TOPMed below 0.00001.

Submission:

Labcorp Genetics (formerly Invitae), Labcorp
Classification: Uncertain significance. Last evaluated: 2024-10-22. Review status: criteria provided, single submitter. Criteria: Invitae Variant Classification Sherloc (09022015). Collection method: clinical testing. Allele origin: germline.
Comment: This sequence change replaces lysine, which is basic and polar, with arginine, which is basic and polar, at codon 199 of the GFM2 protein (p.Lys199Arg). This variant is present in population databases (rs766543951, gnomAD 0.006%). This variant has not been reported in the literature in individuals affected with GFM2-related conditions. ClinVar contains an entry for this variant (Variation ID: 2070879). Invitae Evidence Modeling of protein sequence and biophysical properties (such as structural, functional, and spatial information, amino acid conservation, physicochemical variation, residue mobility, and thermodynamic stability) indicates that this missense variant is not expected to disrupt GFM2 protein function with a negative predictive value of 80%. In summary, the available evidence is currently insufficient to determine the role of this variant in disease. Therefore, it has been classified as a Variant of Uncertain Significance.